The following is an entry in ClinVar:

ClinVar aggregate classification (germline): Uncertain significance. Review status: criteria provided, multiple submitters, no conflicts (2 of 4 stars). 2 submissions from 2 submitters: Uncertain significance (2). Last evaluated 2024-08-19.

Conditions:
Inborn genetic diseases. Identifiers: MedGen C0950123, MeSH D030342.
Charcot-Marie-Tooth disease recessive intermediate C. Also called: CHARCOT-MARIE-TOOTH NEUROPATHY, RECESSIVE INTERMEDIATE C. Identifiers: Orphanet 369867, MedGen C3809309, MONDO:0014154, OMIM 615376.
Neuronopathy, distal hereditary motor, autosomal recessive 4. Also called: Autosomal recessive lower motor neuron disease with childhood onset; NEUROPATHY, DISTAL HEREDITARY MOTOR, AUTOSOMAL RECESSIVE 4. Identifiers: Orphanet 206580, MedGen C1970211, MONDO:0012608, OMIM 611067.

Allele frequency attached by ClinVar (database versions not stated): gnomAD 0.00001; gnomAD exomes 0.00003; TOPMed 0.00003; ExAC 0.00009.
gnomAD v4.1: 36 of 1,574,576 alleles (0.0023%); highest among the groups gnomAD compares: Non-Finnish European, 0.0026%; no homozygotes.

Submissions (2):

Labcorp Genetics (formerly Invitae), Labcorp
Classification: Uncertain significance for Neuronopathy, distal hereditary motor, autosomal recessive 4; Charcot-Marie-Tooth disease recessive intermediate C. Last evaluated: 2024-08-19. Review status: criteria provided, single submitter. Criteria: Invitae Variant Classification Sherloc (09022015). Collection method: clinical testing. Allele origin: germline.
Comment: This sequence change replaces leucine, which is neutral and non-polar, with phenylalanine, which is neutral and non-polar, at codon 905 of the PLEKHG5 protein (p.Leu905Phe). This variant is present in population databases (rs774696513, gnomAD 0.01%). This variant has not been reported in the literature in individuals affected with PLEKHG5-related conditions. ClinVar contains an entry for this variant (Variation ID: 468911). An algorithm developed to predict the effect of missense changes on protein structure and function (PolyPhen-2) suggests that this variant is likely to be disruptive. In summary, the available evidence is currently insufficient to determine the role of this variant in disease. Therefore, it has been classified as a Variant of Uncertain Significance.

Ambry Genetics
Classification: Uncertain significance for Inborn genetic diseases. Last evaluated: 2021-01-05. Review status: criteria provided, single submitter. Criteria: Ambry Variant Classification Scheme 2023. Collection method: clinical testing. Allele origin: germline.
Comment: The p.L905F variant (also known as c.2713C>T), located in coding exon 19 of the PLEKHG5 gene, results from a C to T substitution at nucleotide position 2713. The leucine at codon 905 is replaced by phenylalanine, an amino acid with highly similar properties. This amino acid position is well conserved in available vertebrate species; however, phenylalanine is the reference amino acid in other vertebrate species. In addition, this alteration is predicted to be tolerated by in silico analysis. Since supporting evidence is limited at this time, the clinical significance of this alteration remains unclear.

NM_020631.6(PLEKHG5):c.2713C>T (p.Leu905Phe)

Gene: PLEKHG5 (pleckstrin homology and RhoGEF domain containing G5; minus strand). Cytogenetic location: 1p36.31.
Variant type: single nucleotide variant.
Coding change: c.2713C>T on transcript NM_020631.6 (MANE Select); coding-DNA position 2713, C replaced by T.
Protein change: p.Leu905Phe; replaces leucine 905 with phenylalanine.
Molecular consequence: missense variant.
Genome position (GRCh38, 1-based): chr1:6,468,123, G>A on the plus strand (C>T on the coding strand, the complement: PLEKHG5 is on the minus strand). VCF-style: chr1-6468123-G-A. GRCh37 (hg19) VCF-style: chr1-6528183-G-A.
Other names: c.2824C>T, p.Leu942Phe (NM_001042663.3, NM_001265592.2); c.2713C>T, p.Leu905Phe (NM_001042664.2, NM_001042665.2, NM_001265594.3 and 1 more transcripts); c.2920C>T, p.Leu974Phe (NM_001265593.2); short protein forms L905F, L974F, L942F.
Identifiers: ClinVar variation 468911 (VCV000468911.12), dbSNP rs774696513, ClinGen allele CA561102.
Genomic context (GRCh38, chr1:6,468,123, plus strand): 5'-GCCCAGCTTCCTGAGGGGAGCCCTGAGTCCTAATACCTGGGGCTGGAACAGCCAGGCAGA[G>A]CTCTGACAGGCTGCGGCTGGGGGCAGAGGGTGTCCCATGGGTGCCAGCCCCTGCCAGCAG-3'
Protein context (NP_065682.2, residues 895-915): PSAPSRSLSE[Leu905Phe]CLAVPAPGIR